The following is an entry in ClinVar:

ClinVar aggregate classification (germline): Uncertain significance (1 of 4 stars; one submission).

Conditions:
Short-rib thoracic dysplasia 10 with or without polydactyly (SRTD10). Identifiers: Orphanet 474, MedGen C3810175, MONDO:0014284, OMIM 615630.
Retinitis pigmentosa 71 (RP71). Identifiers: Orphanet 791, MedGen C4225342, MONDO:0014618, OMIM 616394.

Allele frequency attached by ClinVar (database versions not stated): gnomAD exomes below 0.00001; gnomAD 0.00001.
gnomAD v4.1: 7 of 1,612,164 alleles (0.00043%); highest among the groups gnomAD compares: Non-Finnish European, 0.00059%; no homozygotes.

Submission:

Labcorp Genetics (formerly Invitae), Labcorp
Classification: Uncertain significance for Retinitis pigmentosa 71; Short-rib thoracic dysplasia 10 with or without polydactyly. Last evaluated: 2020-10-02. Review status: criteria provided, single submitter. Criteria: Invitae Variant Classification Sherloc (09022015). Collection method: clinical testing. Allele origin: germline.
Comment: In summary, the available evidence is currently insufficient to determine the role of this variant in disease. Therefore, it has been classified as a Variant of Uncertain Significance. Nucleotide substitutions within the consensus splice site are a relatively common cause of aberrant splicing (PMID: 17576681, 9536098). Algorithms developed to predict the effect of sequence changes on RNA splicing suggest that this variant may disrupt the consensus splice site, but this prediction has not been confirmed by published transcriptional studies. Algorithms developed to predict the effect of missense changes on protein structure and function are either unavailable or do not agree on the potential impact of this missense change (SIFT: "Deleterious"; PolyPhen-2: "Probably Damaging"; Align-GVGD: "Class C0"). This variant has not been reported in the literature in individuals with IFT172-related conditions. This variant is not present in population databases (ExAC no frequency). This sequence change replaces arginine with methionine at codon 262 of the IFT172 protein (p.Arg262Met). The arginine residue is moderately conserved and there is a moderate physicochemical difference between arginine and methionine. This variant also falls at the last nucleotide of exon 8 of the IFT172 coding sequence, which is part of the consensus splice site for this exon.

Literature cited by the submitters: PubMed 17576681; PubMed 9536098.

NM_015662.3(IFT172):c.785G>T (p.Arg262Met)

Gene: IFT172 (intraflagellar transport 172; minus strand). Cytogenetic location: 2p23.3.
Variant type: single nucleotide variant.
Coding change: c.785G>T on transcript NM_015662.3 (MANE Select); coding-DNA position 785, G replaced by T.
Protein change: p.Arg262Met; replaces arginine 262 with methionine.
Molecular consequence: missense variant.
Genome position (GRCh38, 1-based): chr2:27,481,046, C>A on the plus strand (G>T on the coding strand, the complement: IFT172 is on the minus strand). VCF-style: chr2-27481046-C-A. GRCh37 (hg19) VCF-style: chr2-27703913-C-A.
Other names: short protein forms R262M.
Identifiers: ClinVar variation 1004957 (VCV001004957.6), dbSNP rs1235295289, ClinGen allele CA346397872.